The following is an entry in ClinVar:

NM_004006.3(DMD):c.2463_2466del (p.Glu821fs)

Gene: DMD (dystrophin; minus strand). Cytogenetic location: Xp21.1.
Variant type: Microsatellite.
Coding change: c.2463_2466del on transcript NM_004006.3 (MANE Select); coding-DNA positions 2463 to 2466, 4 bases deleted (GAGA; older notation c.2463_2466delGAGA).
Protein change: p.Glu821fs; shifts the reading frame from glutamic acid 821.
Molecular consequence: frameshift variant.
Genome position (GRCh38, 1-based): chrX:32,491,433-32,491,436, TCTC deleted on the plus strand (GAGA on the coding strand, the reverse complement: DMD is on the minus strand); deleting any 4 consecutive bases within chrX:32,491,433-32,491,438 gives the same sequence; the c. name uses the placement nearest the transcript's 3' end. VCF-style (leftmost placement, unchanged base first): chrX-32491432-GTCTC-G. GRCh37 (hg19) VCF-style: chrX-32509549-GTCTC-G.
Other names: c.2439_2442del, p.Glu813fs (NM_000109.4); c.2451_2454del, p.Glu817fs (NM_004009.3); c.2094_2097del, p.Glu698fs (NM_004010.3); c.2463_2466delGAGA (NM_004006.2); short protein forms E813fs, E817fs, E698fs, E821fs.
Identifiers: ClinVar variation 643325 (VCV000643325.1), dbSNP rs1603634744, ClinGen allele CA915950909.

ClinVar aggregate classification (germline): Pathogenic (1 of 4 stars; one submission).

Conditions:
Duchenne muscular dystrophy (DMD). Also called: MUSCULAR DYSTROPHY, PSEUDOHYPERTROPHIC PROGRESSIVE, DUCHENNE TYPE; Duchenne Muscular Dystrophy (DMD). Identifiers: Orphanet 98896, MedGen C0013264, MONDO:0010679, OMIM 310200.

Submission:

Labcorp Genetics (formerly Invitae), Labcorp
Classification: Pathogenic for Duchenne muscular dystrophy. Last evaluated: 2018-12-30. Review status: criteria provided, single submitter. Criteria: Invitae Variant Classification Sherloc (09022015). Collection method: clinical testing. Allele origin: germline.
Comment: This sequence change creates a premature translational stop signal (p.Glu821Aspfs*24) in the DMD gene. It is expected to result in an absent or disrupted protein product. This variant is not present in population databases (ExAC no frequency). This variant has been observed in an individual affected with Duchenne muscular dystrophy (PMID:Â¬â€ 8840119).Â¬â€ This variant has been reported in individuals in the Leiden Open-source Variation Database (PMID: 21520333).Â¬â€ This variant is also known as delG2669-A2672 in the literature. Loss-of-function variants in DMD are known to be pathogenic (PMID: 16770791, 25007885). For these reasons, this variant has been classified as Pathogenic.

Literature cited by the submitters: PubMed 21520333.